The following is an entry in ClinVar:

ClinVar aggregate classification (germline): Likely pathogenic (1 of 4 stars; one submission).

Conditions:
Primary ciliary dyskinesia. Also called: Ciliary dyskinesia. Identifiers: Orphanet 244, MedGen C0008780, MONDO:0016575, HP:0012265.

Submission:

Labcorp Genetics (formerly Invitae), Labcorp
Classification: Likely pathogenic for Primary ciliary dyskinesia. Last evaluated: 2025-09-15. Review status: criteria provided, single submitter. Criteria: Invitae Variant Classification Sherloc (09022015). Collection method: clinical testing. Allele origin: germline.
Comment: This sequence change affects a donor splice site in intron 71 of the DNAH11 gene. It is expected to disrupt RNA splicing. Variants that disrupt the donor or acceptor splice site typically lead to a loss of protein function (PMID: 16199547), and loss-of-function variants in DNAH11 are known to be pathogenic (PMID: 18022865, 20513915, 22184204). This variant is not present in population databases (gnomAD no frequency). This variant has not been reported in the literature in individuals affected with DNAH11-related conditions. Algorithms developed to predict the effect of sequence changes on RNA splicing suggest that this variant may disrupt the consensus splice site. In summary, the currently available evidence indicates that the variant is pathogenic, but additional data are needed to prove that conclusively. Therefore, this variant has been classified as Likely Pathogenic.

Literature cited by the submitters: PubMed 16199547; PubMed 18022865; PubMed 20513915; PubMed 22184204.

NM_001277115.2(DNAH11):c.11690+1G>T

Gene: DNAH11 (dynein axonemal heavy chain 11; plus strand). Cytogenetic location: 7p15.3.
Variant type: single nucleotide variant.
Coding change: c.11690+1G>T on transcript NM_001277115.2 (MANE Select); the canonical splice donor site of the intron after coding-DNA position 11690, G replaced by T.
Molecular consequence: splice donor variant.
Genome position (GRCh38, 1-based): chr7:21,866,664, G>T. VCF-style: chr7-21866664-G-T. GRCh37 (hg19) VCF-style: chr7-21906282-G-T.
Identifiers: ClinVar variation 4723893 (VCV004723893.1).